The following is an entry in ClinVar:

ClinVar aggregate classification (germline): Uncertain significance (1 of 4 stars; one submission).

Allele frequency attached by ClinVar (database versions not stated): ExAC 0.00029; gnomAD exomes 0.00042 and 0.00086; gnomAD 0.00048; TOPMed 0.00053; ESP Exome Variant Server 0.00054; 1000 Genomes Project 0.00060; 1000 Genomes Project 30x 0.00062.
gnomAD v4.1: 1,319 of 1,614,082 alleles (0.082%); highest among the groups gnomAD compares: Non-Finnish European, 0.1%; 2 homozygotes.

Submission:

Women's Health and Genetics/Laboratory Corporation of America, LabCorp
Classification: Uncertain significance. Last evaluated: 2021-04-09. Review status: criteria provided, single submitter. Criteria: LabCorp Variant Classification Summary - May 2015. Collection method: clinical testing. Allele origin: germline.
Comment: Variant summary: MAN2B2 c.1766T>C (p.Ile589Thr) results in a non-conservative amino acid change located in the Glycoside hydrosylase family 38, N-terminal domain (IPR000602) of the encoded protein sequence. Four of five in-silico tools predict a benign effect of the variant on protein function. The variant allele was found at a frequency of 0.00042 in 249668 control chromosomes. This frequency is not significantly higher than estimated for a pathogenic variant in MAN2B2 causing MAN2B2-Related Disorders, allowing no conclusion about variant significance. To our knowledge, no occurrence of c.1766T>C in individuals affected with MAN2B2-Related Disorders and no experimental evidence demonstrating its impact on protein function have been reported. No clinical diagnostic laboratories have submitted clinical-significance assessments for this variant to ClinVar after 2014. Based on the evidence outlined above, the variant was classified as uncertain significance.

NM_015274.3(MAN2B2):c.1766T>C (p.Ile589Thr)

Gene: MAN2B2 (mannosidase alpha class 2B member 2; plus strand). Cytogenetic location: 4p16.1.
Variant type: single nucleotide variant.
Coding change: c.1766T>C on transcript NM_015274.3 (MANE Select); coding-DNA position 1766, T replaced by C.
Protein change: p.Ile589Thr; replaces isoleucine 589 with threonine.
Molecular consequence: missense variant.
Genome position (GRCh38, 1-based): chr4:6,605,281, T>C. VCF-style: chr4-6605281-T-C. GRCh37 (hg19) VCF-style: chr4-6607008-T-C.
Other names: c.1613T>C, p.Ile538Thr (NM_001292038.2); short protein forms I538T, I589T.
Identifiers: ClinVar variation 1065158 (VCV001065158.1), dbSNP rs148488843, ClinGen allele CA2841045.